The following is an entry in ClinVar:

NM_001385641.1(SAMD11):c.2373G>A (p.Pro791=)

Gene: SAMD11 (sterile alpha motif domain containing 11; plus strand). Cytogenetic location: 1p36.33.
Variant type: single nucleotide variant.
Coding change: c.2373G>A on transcript NM_001385641.1 (MANE Select); coding-DNA position 2373, G replaced by A.
Protein change: p.Pro791=; no amino-acid change (proline 791 retained).
Molecular consequence: synonymous variant.
Genome position (GRCh38, 1-based): chr1:943,991, G>A. VCF-style: chr1-943991-G-A. GRCh37 (hg19) VCF-style: chr1-879371-G-A.
Other names: c.1884G>A (NM_152486.2); c.2376G>A, p.Pro792= (NM_001385640.1); c.1884G>A, p.Pro628= (NM_152486.4).
Identifiers: ClinVar variation 1169800 (VCV001169800.11), dbSNP rs149846233, ClinGen allele CA503366.

ClinVar aggregate classification (germline): Benign/Likely benign. Review status: criteria provided, multiple submitters, no conflicts (2 of 4 stars). 3 submissions from 3 submitters: Benign (1); Likely benign (2). Last evaluated 2026-08-20.

Conditions:
SAMD11-related disorder. Also called: SAMD11-related condition.

Allele frequency attached by ClinVar (database versions not stated): gnomAD exomes 0.00040; ExAC 0.00045; 1000 Genomes Project 0.00100; 1000 Genomes Project 30x 0.00125; TOPMed 0.00139; ESP Exome Variant Server 0.00185.
gnomAD v4.1: 380 of 1,612,836 alleles (0.024%); highest among the groups gnomAD compares: African/African-American, 0.44%; 2 homozygotes.

Submissions (3):

PreventionGenetics, part of Exact Sciences
Classification: Likely benign for SAMD11-related condition. Last evaluated: 2026-08-20. Review status: criteria provided, single submitter. Criteria: ACMG Guidelines, 2015. Collection method: clinical testing. Allele origin: germline.
Comment: This variant is classified as likely benign based on ACMG/AMP sequence variant interpretation guidelines (Richards et al. 2015 PMID: 25741868, with internal and published modifications).

Labcorp Genetics (formerly Invitae), Labcorp
Classification: Benign. Last evaluated: 2026-01-25. Review status: criteria provided, single submitter. Criteria: Invitae Variant Classification Sherloc (09022015). Collection method: clinical testing. Allele origin: germline.

Blueprint Genetics
Classification: Likely benign. Last evaluated: 2023-11-27. Review status: criteria provided, single submitter. Criteria: ACMG Guidelines, 2015. Collection method: clinical testing. Allele origin: germline.